The following is an entry in ClinVar:

ClinVar aggregate classification (germline): Pathogenic. Review status: criteria provided, multiple submitters, no conflicts (2 of 4 stars). 7 submissions from 7 submitters: Pathogenic (5). 2 of the submissions do not count toward it. Last evaluated 2025-07-30.

Conditions:
ADNP-related disorder. Also called: ADNP-related condition.
ADNP-related multiple congenital anomalies - intellectual disability - autism spectrum disorder. Also called: Helsmoortel-Van der Aa Syndrome; ADNP-Related Helsmoortel-Van der Aa Syndrome. Identifiers: Orphanet 404448, MedGen C4014538, MONDO:0014379, OMIM 615873. Disease mechanism: loss of function.
Inborn genetic diseases. Identifiers: MedGen C0950123, MeSH D030342.

Submissions (7):

3billion
Classification: Pathogenic for ADNP-related multiple congenital anomalies - intellectual disability - autism spectrum disorder. Last evaluated: 2025-07-30. Review status: criteria provided, single submitter. Criteria: ACMG Guidelines, 2015. Collection method: clinical testing. Allele origin: germline. Affected: yes.
Comment: The variant is not observed in the gnomAD v4.1.0 dataset. Predicted Consequence/Location: Stop-gained (nonsense): predicted to result in a loss or disruption of normal protein function through protein truncation. The predicted truncated protein may be shortened by more than 10%. Functional studies provide strong evidence of the variant having a damaging effect on the gene or gene product (PMID: 28221363). The variant has been observed in at least two similarly affected unrelated individuals (PMID: 29724491). The variant has been reported at least twice as pathogenic with clinical assertions and evidence for the classification (ClinVar ID: VCV000280623 /PMID: 28221363 /3billion dataset). Therefore, this variant is classified as Pathogenic according to the recommendation of ACMG/AMP guideline.

Ambry Genetics
Classification: Pathogenic for Inborn genetic diseases. Last evaluated: 2024-10-29. Review status: criteria provided, single submitter. Criteria: Ambry Variant Classification Scheme 2023. Collection method: clinical testing. Allele origin: germline.
Comment: The c.2157C>A (p.Y719*) alteration, located in exon 5 (coding exon 3) of the ADNP gene, consists of a C to A substitution at nucleotide position 2157. This changes the amino acid from a tyrosine (Y) to a stop codon at amino acid position 719. This alteration occurs at the 3' terminus of the ADNP gene, is not expected to trigger nonsense-mediated mRNA decay, and impacts the last 34.8% of the protein. Premature stop codons are typically deleterious in nature. The impacted region is critical for protein function and a significant portion of the protein is affected (Ambry internal data). This variant was not reported in population-based cohorts in the Genome Aggregation Database (gnomAD). This is a recurrent variant has been determined to be the result of a de novo mutation in multiple individuals with features consistent with ADNP-related neurodevelopmental disorder (Gale, 2018; Van Dijck, 2019). Based on the available evidence, this alteration is classified as pathogenic.

Blueprint Genetics
Classification: Pathogenic for ADNP-related disorders. Last evaluated: 2024-03-19. Review status: criteria provided, single submitter. Criteria: ACMG Guidelines, 2015. Collection method: clinical testing. Allele origin: germline. Affected: yes. Observed: 1 variant allele.

CeGaT Center for Human Genetics Tuebingen
Classification: Pathogenic. Last evaluated: 2023-07-01. Review status: criteria provided, single submitter. Criteria: CeGaT Center For Human Genetics Tuebingen Variant Classification Criteria Version 2. Collection method: clinical testing. Allele origin: germline. Affected: yes. Observed: 1 variant allele.
Comment: ADNP: PS2, PVS1:Strong, PM2, PS4:Moderate

GeneDx
Classification: Pathogenic. Last evaluated: 2022-01-02. Review status: criteria provided, single submitter. Criteria: GeneDx Variant Classification Process June 2021. Collection method: clinical testing. Allele origin: germline. Affected: yes.
Comment: Nonsense variant in the C-terminus predicted to result in protein truncation, as the last 384 amino acids are lost, and other loss-of-function variants have been reported downstream in the Human Gene Mutation Database (HGMD); Not observed at significant frequency in large population cohorts (gnomAD); This variant is associated with the following publications: (PMID: 28221363, 25057125, 24531329, 28579975, 29724491, 29780943, 30107084, 29475819, 31029150, 29911927, 32758449, 31526516, 33004838)

PreventionGenetics, part of Exact Sciences
Classification: Pathogenic for ADNP-related condition. Last evaluated: 2024-09-09. Review status: no assertion criteria provided. Collection method: clinical testing. Allele origin: germline. Not counted in ClinVar's aggregate classification.
Comment: The ADNP c.2157C>A variant is predicted to result in premature protein termination (p.Tyr719*). This variant is one of the recurrent de novo pathogenic variants reported in individuals with Helsmoortel-van der Aa syndrome (see for example Gozes. et al. 2017. PubMed ID: 28579975; Van Dijck et al. 2016. PMID: 27054228; Van Dijck et al. 2018. PubMed ID: 29724491; Breen et al. 2020. PubMed ID: 32758449). This variant has not been reported in a large population database, indicating this variant is rare. Nonsense variants in ADNP are expected to be pathogenic. This variant is interpreted as pathogenic.

OMIM
Classification: Pathogenic for HELSMOORTEL-VAN DER AA SYNDROME. Last evaluated: 2021-02-24. Review status: no assertion criteria provided. Collection method: literature only. Allele origin: germline. Not counted in ClinVar's aggregate classification.

Literature cited by the submitters: PubMed 29724491 (cited by 3 submitters); PubMed 28221363 (cited by 3billion); PubMed 29780943 (cited by Ambry Genetics).

NM_001282531.3(ADNP):c.2157C>A (p.Tyr719Ter)

Gene: ADNP (activity dependent neuroprotector homeobox; minus strand). Cytogenetic location: 20q13.13.
Variant type: single nucleotide variant.
Coding change: c.2157C>A on transcript NM_001282531.3 (MANE Select); coding-DNA position 2157, C replaced by A.
Protein change: p.Tyr719Ter; replaces tyrosine 719 with a stop codon.
Molecular consequence: nonsense.
Genome position (GRCh38, 1-based): chr20:50,892,557, G>T on the plus strand (C>A on the coding strand, the complement: ADNP is on the minus strand). VCF-style: chr20-50892557-G-T. GRCh37 (hg19) VCF-style: chr20-49509094-G-T.
Other names: ADNP, TYR719TER, c.2157C-A; c.2157C>A (NM_001282531.2); c.2157C>A, p.Tyr719Ter (NM_001282532.2, NM_001347511.2, NM_015339.5 and 1 more transcripts); short protein forms Y719*.
Identifiers: ClinVar variation 280623 (VCV000280623.35), dbSNP rs587777526, ClinGen allele CA10603669.